The following is an entry in ClinVar:

ClinVar aggregate classification (germline): Pathogenic. Review status: criteria provided, multiple submitters, no conflicts (2 of 4 stars). 3 submissions from 3 submitters: Pathogenic (3). Last evaluated 2024-11-06.

Conditions:
Becker muscular dystrophy, Cardiomyopathy, Duchenne muscular dystrophy, Dystrophin deficiency.
Becker muscular dystrophy (BMD). Also called: MUSCULAR DYSTROPHY, PSEUDOHYPERTROPHIC PROGRESSIVE, BECKER TYPE; Becker Muscular Dystrophy (BMD). Identifiers: Orphanet 98895, MedGen C0917713, MONDO:0010311, OMIM 300376.
Duchenne muscular dystrophy (DMD). Also called: MUSCULAR DYSTROPHY, PSEUDOHYPERTROPHIC PROGRESSIVE, DUCHENNE TYPE; Duchenne Muscular Dystrophy (DMD). Identifiers: Orphanet 98896, MedGen C0013264, MONDO:0010679, OMIM 310200.

Submissions (3):

Natera, Inc.
Classification: Pathogenic for Becker muscular dystrophy, Cardiomyopathy, Duchenne muscular dystrophy, Dystrophin deficiency. Last evaluated: 2024-11-06. Review status: criteria provided, single submitter. Criteria: Natera Variant Classification Schema (03/2026). Collection method: clinical testing. Allele origin: germline.
Comment: The c.1510C>T variant in DMD is a nonsense variant predicted to introduce a stop codon at amino acid 504. This variant is expected to result in nonsense mediated decay, truncation, or a dysfunctional protein product. This variant is rare in the general population with a frequency below the threshold expected for the associated phenotype(s). This variant has been observed in one or more individuals affected with the associated recessive disease, as either homozygous or compound heterozygous with a second variant (PMID: 31412794, 23536893). Given the available evidence, this variant is classified as Pathogenic.

Labcorp Genetics (formerly Invitae), Labcorp
Classification: Pathogenic for Duchenne muscular dystrophy. Last evaluated: 2022-12-04. Review status: criteria provided, single submitter. Criteria: Invitae Variant Classification Sherloc (09022015). Collection method: clinical testing. Allele origin: germline.
Comment: For these reasons, this variant has been classified as Pathogenic. ClinVar contains an entry for this variant (Variation ID: 1322567). This premature translational stop signal has been observed in individual(s) with Duchenne muscular dystrophy (PMID: 23536893, 26968818). This variant is not present in population databases (gnomAD no frequency). This sequence change creates a premature translational stop signal (p.Gln504*) in the DMD gene. It is expected to result in an absent or disrupted protein product. Loss-of-function variants in DMD are known to be pathogenic (PMID: 16770791, 25007885).

Diagnostics Services (NGS), CSIR - Centre For Cellular And Molecular Biology
Classification: Pathogenic for Becker muscular dystrophy; Duchenne muscular dystrophy. Last evaluated: 2022-04-13. Review status: criteria provided, single submitter. Criteria: ACMG Guidelines, 2015. Collection method: clinical testing. Allele origin: germline. Inheritance: X-linked inheritance. Affected: yes. Observed: 1 variant allele, 1 homozygote.
Comment: The c.1510C>T variant is not present in publicly available population databases like 1000 Genomes, Exome Variant Server (EVS), Exome Aggregation Consortium (ExAC), Genome Aggregation Database (gnomAD) and Indian Exome Database. The variant is not present in our in-house exome database. The variant was previously identified in patients affected with DMD and reported Human Genome Mutation Database (HGMD ID: CM132400). In-silico pathogenicity prediction programs like MutationTaster2, CADD, Varsome, InterVar etc. predicted this variant to be likely deleterious.

Literature cited by the submitters: PubMed 31412794 (cited by Natera, Inc.); PubMed 23536893 (cited by 3 submitters); PubMed 26968818 (cited by Labcorp Genetics (formerly Invitae), Labcorp); PubMed 16770791 (cited by Labcorp Genetics (formerly Invitae), Labcorp); PubMed 25007885 (cited by Labcorp Genetics (formerly Invitae), Labcorp).

NM_004006.3(DMD):c.1510C>T (p.Gln504Ter)

Gene: DMD (dystrophin; minus strand). Cytogenetic location: Xp21.1.
Variant type: single nucleotide variant.
Coding change: c.1510C>T on transcript NM_004006.3 (MANE Select); coding-DNA position 1510, C replaced by T.
Protein change: p.Gln504Ter; replaces glutamine 504 with a stop codon.
Molecular consequence: nonsense.
Genome position (GRCh38, 1-based): chrX:32,595,849, G>A on the plus strand (C>T on the coding strand, the complement: DMD is on the minus strand). VCF-style: chrX-32595849-G-A. GRCh37 (hg19) VCF-style: chrX-32613966-G-A.
Other names: c.1486C>T, p.Gln496Ter (NM_000109.4); c.1498C>T, p.Gln500Ter (NM_004009.3); c.1141C>T, p.Gln381Ter (NM_004010.3); short protein forms Q381*, Q496*, Q500*, Q504*.
Identifiers: ClinVar variation 1322567 (VCV001322567.8), dbSNP rs2149265022, ClinGen allele CA412665671.